The following is an entry in ClinVar:

ClinVar aggregate classification (germline): Likely benign (1 of 4 stars; one submission).

Allele frequency attached by ClinVar (database versions not stated): 1000 Genomes Project 0.00140; 1000 Genomes Project 30x 0.00172; gnomAD 0.00192; ExAC 0.00211; TOPMed 0.00215; ESP Exome Variant Server 0.00261; gnomAD exomes 0.00318.
gnomAD v4.1: 4,946 of 1,614,208 alleles (0.31%); highest among the groups gnomAD compares: Non-Finnish European, 0.37%; 9 homozygotes.

Submissions (6):

CeGaT Center for Human Genetics Tuebingen
Classification: Likely benign. Last evaluated: 2022-11-01. Review status: criteria provided, single submitter. Criteria: CeGaT Center For Human Genetics Tuebingen Variant Classification Criteria Version 2. Collection method: clinical testing. Allele origin: germline. Affected: yes. Observed: 2 variant alleles.
Comment: RESF1: BP4, BP7

Dr. Peter K. Rogan Lab, Western University
No classification provided (evidence only). Condition: Melanoma. Review status: no classification provided. Collection method: in vitro. Allele origin: not applicable. Functional consequence: retained intron. Not counted in ClinVar's aggregate classification.

Dr. Peter K. Rogan Lab, Western University
No classification provided (evidence only). Condition: Colon adenocarcinoma. Review status: no classification provided. Collection method: in vitro. Allele origin: not applicable. Functional consequence: retained intron. Not counted in ClinVar's aggregate classification.

Dr. Peter K. Rogan Lab, Western University
No classification provided (evidence only). Condition: Malignant lymphoma, large B-cell, diffuse. Review status: no classification provided. Collection method: in vitro. Allele origin: not applicable. Functional consequence: skipped exon, retained intron. Not counted in ClinVar's aggregate classification.

Dr. Peter K. Rogan Lab, Western University
No classification provided (evidence only). Condition: Gastric cancer. Review status: no classification provided. Collection method: in vitro. Allele origin: not applicable. Functional consequence: retained intron. Not counted in ClinVar's aggregate classification.

Dr. Peter K. Rogan Lab, Western University
No classification provided (evidence only). Condition: Malignant tumor of esophagus. Review status: no classification provided. Collection method: in vitro. Allele origin: not applicable. Functional consequence: retained intron. Not counted in ClinVar's aggregate classification.

NM_018169.4(RESF1):c.1023A>G (p.Lys341=)

Gene: RESF1 (retroelement silencing factor 1; plus strand). Cytogenetic location: 12p11.21.
Variant type: single nucleotide variant.
Coding change: c.1023A>G on transcript NM_018169.4 (MANE Select); coding-DNA position 1023, A replaced by G.
Protein change: p.Lys341=; no amino-acid change (lysine 341 retained).
Molecular consequence: synonymous variant.
Genome position (GRCh38, 1-based): chr12:31,981,978, A>G. VCF-style: chr12-31981978-A-G. GRCh37 (hg19) VCF-style: chr12-32134912-A-G.
Other names: NC_000012.11:g.32134912A>G.
Identifiers: ClinVar variation 2642832 (VCV002642832.25), dbSNP rs77532308, ClinGen allele CA6504981.